The following is an entry in ClinVar:

NM_001127208.3(TET2):c.3102G>C (p.Gln1034His)

Genes: TET2 (tet methylcytosine dioxygenase 2; plus strand), TET2-AS1 (TET2 antisense RNA 1; minus strand). Cytogenetic location: 4q24.
Variant type: single nucleotide variant.
Coding change: c.3102G>C on transcript NM_001127208.3 (MANE Select); coding-DNA position 3102, G replaced by C.
Protein change: p.Gln1034His; replaces glutamine 1034 with histidine.
Molecular consequence: missense variant.
Genome position (GRCh38, 1-based): chr4:105,237,044, G>C. VCF-style: chr4-105237044-G-C. GRCh37 (hg19) VCF-style: chr4-106158201-G-C.
Other names: c.3102G>C, p.Gln1034His (NM_017628.4); short protein forms Q1034H.
Identifiers: ClinVar variation 4594215 (VCV004594215.1).

ClinVar aggregate classification (germline): Uncertain significance (1 of 4 stars; one submission).

Submission:

Ambry Genetics
Classification: Uncertain significance. Last evaluated: 2025-11-24. Review status: criteria provided, single submitter. Criteria: Ambry Variant Classification Scheme 2023. Collection method: clinical testing. Allele origin: germline.
Comment: The p.Q1034H variant (also known as c.3102G>C), located in coding exon 1 of the TET2 gene, results from a G to C substitution at nucleotide position 3102. The glutamine at codon 1034 is replaced by histidine, an amino acid with highly similar properties. This amino acid position is conserved. In addition, this alteration is predicted to be tolerated by in silico analysis. Based on the available evidence, the clinical significance of this variant remains unclear.